The following is an entry in ClinVar:

NM_001164508.2(NEB):c.23765G>C (p.Gly7922Ala)

Genes: NEB (nebulin; minus strand), RIF1 (replication timing regulatory factor 1; plus strand). Cytogenetic location: 2q23.3.
Variant type: single nucleotide variant.
Coding change: c.23765G>C on transcript NM_001164508.2 (MANE Select); coding-DNA position 23765, G replaced by C.
Protein change: p.Gly7922Ala; replaces glycine 7922 with alanine.
Molecular consequence: missense variant.
Genome position (GRCh38, 1-based): chr2:151,503,419, C>G on the plus strand (G>C on the coding strand, the complement: NEB is on the minus strand). VCF-style: chr2-151503419-C-G. GRCh37 (hg19) VCF-style: chr2-152359933-C-G.
Other names: c.23765G>C, p.Gly7922Ala (NM_001164507.2); c.23870G>C, p.Gly7957Ala (NM_001271208.2); c.18662G>C, p.Gly6221Ala (NM_004543.5); short protein forms G7922A, G7957A, G6221A.
Identifiers: ClinVar variation 972159 (VCV000972159.10), dbSNP rs1253296856, ClinGen allele CA348782335.

ClinVar aggregate classification (germline): Uncertain significance. Review status: criteria provided, single submitter (1 of 4 stars). 2 submissions from 2 submitters: Uncertain significance (1). 1 of the submissions does not count toward it. Last evaluated 2022-07-26.

Conditions:
Nemaline myopathy 2 (NEM2). Also called: Nemaline myopathy 2, autosomal recessive. Identifiers: MedGen C1850569, MONDO:0009725, OMIM 256030.

Allele frequency attached by ClinVar (database versions not stated): gnomAD exomes below 0.00001; gnomAD 0.00001; TOPMed 0.00001.
gnomAD v4.1: 24 of 1,611,242 alleles (0.0015%); highest among the groups gnomAD compares: Non-Finnish European, 0.002%; no homozygotes.

Submissions (2):

Labcorp Genetics (formerly Invitae), Labcorp
Classification: Uncertain significance for Nemaline myopathy 2. Last evaluated: 2022-07-26. Review status: criteria provided, single submitter. Criteria: Invitae Variant Classification Sherloc (09022015). Collection method: clinical testing. Allele origin: germline.
Comment: This sequence change replaces glycine, which is neutral and non-polar, with alanine, which is neutral and non-polar, at codon 7957 of the NEB protein (p.Gly7957Ala). This variant is present in population databases (no rsID available, gnomAD 0.0009%). This variant has not been reported in the literature in individuals affected with NEB-related conditions. ClinVar contains an entry for this variant (Variation ID: 972159). Algorithms developed to predict the effect of missense changes on protein structure and function are either unavailable or do not agree on the potential impact of this missense change (SIFT: "Deleterious"; PolyPhen-2: "Not Available"; Align-GVGD: "Class C0"). In summary, the available evidence is currently insufficient to determine the role of this variant in disease. Therefore, it has been classified as a Variant of Uncertain Significance.

Natera, Inc.
Classification: Uncertain significance for Nemaline myopathy type 2. Last evaluated: 2021-06-14. Review status: no assertion criteria provided. Collection method: clinical testing. Allele origin: germline. Not counted in ClinVar's aggregate classification.